The following is an entry in ClinVar:

ClinVar aggregate classification (germline): Benign (1 of 4 stars; one submission).

Conditions:
Dyskeratosis congenita. Identifiers: Orphanet 1775, MedGen C0265965, MONDO:0015780.

Allele frequency attached by ClinVar (database versions not stated): gnomAD exomes 0.00296; TOPMed 0.00556; 1000 Genomes Project 0.00839; 1000 Genomes Project 30x 0.00843.
gnomAD v4.1: 504 of 152,592 alleles (0.33%); highest among the groups gnomAD compares: East Asian, 2.6%; 9 homozygotes.

Submission:

Illumina Laboratory Services, Illumina
Classification: Benign for Dyskeratosis congenita. Last evaluated: 2017-04-27. Review status: criteria provided, single submitter. Criteria: ICSL Variant Classification Criteria 13 December 2019. Collection method: clinical testing. Allele origin: germline.
Comment: This variant was observed as part of a predisposition screen in an ostensibly healthy population. A literature search was performed for the gene, cDNA change, and amino acid change (where applicable). No publications were found based on this search. Allele frequency data from public databases was too high to be consistent with this variant causing disease. Therefore, this variant is classified as benign.

NM_025099.6(CTC1):c.*1200T>C

Gene: CTC1 (CST telomere replication complex component 1; minus strand). Cytogenetic location: 17p13.1.
Variant type: single nucleotide variant.
Coding change: c.*1200T>C on transcript NM_025099.6 (MANE Select); 1200 bases downstream of the stop codon, T replaced by C.
Molecular consequence: 3 prime UTR variant. On other transcripts: non-coding transcript variant (1).
Genome position (GRCh38, 1-based): chr17:8,226,980, A>G on the plus strand (T>C on the coding strand, the complement: CTC1 is on the minus strand). VCF-style: chr17-8226980-A-G. GRCh37 (hg19) VCF-style: chr17-8130298-A-G.
Identifiers: ClinVar variation 891028 (VCV000891028.4), dbSNP rs80097010, ClinGen allele CA287528007.